The following is an entry in ClinVar:

ClinVar aggregate classification (germline): Uncertain significance. Review status: criteria provided, multiple submitters, no conflicts (2 of 4 stars). 3 submissions from 3 submitters: Uncertain significance (3). Last evaluated 2026-04-13.

Conditions:
LSR-related condition.

Allele frequency attached by ClinVar (database versions not stated): gnomAD 0.00036; TOPMed 0.00037; ESP Exome Variant Server 0.00039; 1000 Genomes Project 30x 0.00047; 1000 Genomes Project 0.00060.
gnomAD v4.1: 136 of 1,612,064 alleles (0.0084%); highest among the groups gnomAD compares: African/African-American, 0.15%; 1 homozygote.

Submissions (3):

PreventionGenetics, part of Exact Sciences
Classification: Uncertain significance for LSR-related condition. Last evaluated: 2026-04-13. Review status: criteria provided, single submitter. Criteria: ACMG Guidelines, 2015. Collection method: clinical testing. Allele origin: germline.
Comment: The LSR c.1704C>A variant is predicted to result in the amino acid substitution p.His568Gln. To our knowledge, this variant has not been reported in the literature. This variant is reported in 0.13% of alleles in individuals of African descent in gnomAD, which may be too frequent to be a primary cause of disease. Although we suspect that this variant may be benign, at this time, the clinical significance of this variant is uncertain due to the absence of conclusive functional and genetic evidence.

Labcorp Genetics (formerly Invitae), Labcorp
Classification: Uncertain significance. Last evaluated: 2026-01-21. Review status: criteria provided, single submitter. Criteria: Invitae Variant Classification Sherloc (09022015). Collection method: clinical testing. Allele origin: germline.
Comment: This sequence change replaces histidine, which is basic and polar, with glutamine, which is neutral and polar, at codon 568 of the LSR protein (p.His568Gln). This variant is present in population databases (rs112196604, gnomAD 0.1%). This variant has not been reported in the literature in individuals affected with LSR-related conditions. ClinVar contains an entry for this variant (Variation ID: 2740974). An algorithm developed to predict the effect of missense changes on protein structure and function outputs the following: PolyPhen-2: "Benign". The glutamine amino acid residue is found in multiple mammalian species, which suggests that this missense change does not adversely affect protein function. In summary, the available evidence is currently insufficient to determine the role of this variant in disease. Therefore, it has been classified as a Variant of Uncertain Significance.

Ambry Genetics
Classification: Uncertain significance. Last evaluated: 2025-08-05. Review status: criteria provided, single submitter. Criteria: Ambry Variant Classification Scheme 2023. Collection method: clinical testing. Allele origin: germline.

NM_205834.4(LSR):c.1560C>A (p.His520Gln)

Gene: LSR (lipolysis stimulated lipoprotein receptor; plus strand). Cytogenetic location: 19q13.12.
Variant type: single nucleotide variant.
Coding change: c.1560C>A on transcript NM_205834.4 (MANE Select); coding-DNA position 1560, C replaced by A.
Protein change: p.His520Gln; replaces histidine 520 with glutamine.
Molecular consequence: missense variant.
Genome position (GRCh38, 1-based): chr19:35,267,524, C>A. VCF-style: chr19-35267524-C-A. GRCh37 (hg19) VCF-style: chr19-35758427-C-A.
Other names: c.1500C>A, p.His500Gln (NM_001260489.2); c.1236C>A, p.His412Gln (NM_001260490.2); c.1353C>A, p.His451Gln (NM_001385215.1); c.1503C>A, p.His501Gln (NM_015925.7); c.1356C>A, p.His452Gln (NM_205835.4); c.1704C>A (NM_205834.3, NM_205834.2); short protein forms H500Q, H520Q, H451Q, H501Q, H412Q, H452Q.
Identifiers: ClinVar variation 2740974 (VCV002740974.5), dbSNP rs112196604, ClinGen allele CA9375129.